The following is an entry in ClinVar:

ClinVar aggregate classification (germline): Likely pathogenic. Review status: criteria provided, multiple submitters, no conflicts (2 of 4 stars). 3 submissions from 3 submitters: Likely pathogenic (3). Last evaluated 2026-02-17.

Conditions:
Dilated cardiomyopathy 1G (CMD1G). Identifiers: Orphanet 154, MedGen C1858763, MONDO:0011400, OMIM 604145.
Autosomal recessive limb-girdle muscular dystrophy type 2J (LGMDR10). Also called: Limb-girdle muscular dystrophy, type 2J; MUSCULAR DYSTROPHY, LIMB-GIRDLE, AUTOSOMAL RECESSIVE 10. Identifiers: Orphanet 140922, MedGen C1837342, MONDO:0012127, OMIM 608807.

Submissions (3):

GeneDx
Classification: Likely pathogenic. Last evaluated: 2026-02-17. Review status: criteria provided, single submitter. Criteria: GeneDx Variant Classification Process June 2021. Collection method: clinical testing. Allele origin: germline.
Comment: Frameshift variant predicted to result in protein truncation or nonsense mediated decay in a gene for which loss of function is a known mechanism of disease; Located in the A-band, a region of TTN for which truncating variants are significantly associated with autosomal dominant cardiomyopathy and also with autosomal recessive skeletal myopathies (PMID: 22335739, 32778822); Not observed at significant frequency in large population cohorts (gnomAD); Has not been previously published as pathogenic or benign to our knowledge; This variant is associated with the following publications: (PMID: 22335739, 32778822)

Variantyx, Inc.
Classification: Likely pathogenic for Dilated cardiomyopathy 1G. Last evaluated: 2025-05-20. Review status: criteria provided, single submitter. Criteria: Variantyx Assertion Criteria 2022. Collection method: clinical testing. Allele origin: germline. Inheritance: Autosomal dominant inheritance. Affected: yes.
Comment: This is a frameshift variant in the TTN gene (OMIM: 188840). Pathogenic variants in this gene have been associated with autosomal dominant dilated cardiomyopathy 1G. This variant introduces a premature termination codon in exon 335 out of 363, which is located within the A-band of titin. Truncating variants in this region are significantly overrepresented in patients affected with dilated cardiomyopathy (PMID: 25589632) (PVS1). This variant is absent from control populations (PM2). Based on the current evidence, this variant is classified as likely pathogenic for autosomal dominant dilated cardiomyopathy 1G.

Labcorp Genetics (formerly Invitae), Labcorp
Classification: Likely pathogenic for Dilated cardiomyopathy 1G; Autosomal recessive limb-girdle muscular dystrophy type 2J. Last evaluated: 2024-12-10. Review status: criteria provided, single submitter. Criteria: Invitae Variant Classification Sherloc (09022015). Collection method: clinical testing. Allele origin: germline.
Comment: This sequence change creates a premature translational stop signal (p.Tyr30295Leufs*4) in the TTN gene. While this is not anticipated to result in nonsense mediated decay, it is expected to create a truncated TTN protein. This variant is not present in population databases (gnomAD no frequency). This variant has not been reported in the literature in individuals affected with TTN-related conditions. ClinVar contains an entry for this variant (Variation ID: 962410). This variant is located in the A band of TTN (PMID: 25589632). Truncating variants in this region are significantly overrepresented in patients affected with dilated cardiomyopathy (PMID: 25589632). Truncating variants in this region have also been reported in individuals affected with autosomal recessive centronuclear myopathy (PMID: 23975875). In summary, the currently available evidence indicates that the variant is pathogenic, but additional data are needed to prove that conclusively. Therefore, this variant has been classified as Likely Pathogenic.

Literature cited by the submitters: PubMed 25589632 (cited by Variantyx, Inc. and Labcorp Genetics (formerly Invitae), Labcorp); PubMed 23975875 (cited by Labcorp Genetics (formerly Invitae), Labcorp).

NM_001267550.2(TTN):c.90883dup (p.Tyr30295fs)

Genes: TTN (titin; minus strand), TTN-AS1 (TTN antisense RNA 1; plus strand). Cytogenetic location: 2q31.2.
Variant type: Duplication.
Coding change: c.90883dup on transcript NM_001267550.2 (MANE Select); coding-DNA position 90883, one base duplicated (T; older notation c.90883dupT).
Protein change: p.Tyr30295fs; shifts the reading frame from tyrosine 30295.
Molecular consequence: frameshift variant.
Genome position (GRCh38, 1-based): chr2:178,552,017, A duplicated on the plus strand (T on the coding strand, the reverse complement: TTN is on the minus strand). VCF-style (leftmost placement, unchanged base first): chr2-178552016-T-TA. GRCh37 (hg19) VCF-style: chr2-179416743-T-TA.
Other names: c.90883dup (NM_001267550.1); c.85960dup, p.Tyr28654fs (NM_001256850.1); c.63688dup, p.Tyr21230fs (NM_003319.4); c.83179dup, p.Tyr27727fs (NM_133378.4); c.64063dup, p.Tyr21355fs (NM_133432.3); c.64264dup, p.Tyr21422fs (NM_133437.4); short protein forms Y21355fs, Y27727fs, Y28654fs, Y21230fs, Y21422fs, Y30295fs.
Identifiers: ClinVar variation 962410 (VCV000962410.12), dbSNP rs1699641688, ClinGen allele CA1139657390.